The following is an entry in ClinVar:

NM_030973.4(MED25):c.1165del (p.Leu389fs)

Gene: MED25 (mediator complex subunit 25; plus strand). Cytogenetic location: 19q13.33.
Variant type: Deletion.
Coding change: c.1165del on transcript NM_030973.4 (MANE Select); coding-DNA position 1165, one base deleted (C; older notation c.1165delC).
Protein change: p.Leu389fs; shifts the reading frame from leucine 389.
Molecular consequence: frameshift variant.
Genome position (GRCh38, 1-based): chr19:49,831,396, C deleted; the last of 3 consecutive C bases (chr19:49,831,394-49,831,396); deleting any one gives the same sequence. VCF-style (leftmost placement, unchanged base first): chr19-49831393-GC-G. GRCh37 (hg19) VCF-style: chr19-50334650-GC-G.
Other names: c.1165delC (NM_030973.3); c.1165del, p.Leu389fs (NM_001378355.1); short protein forms L389fs.
Identifiers: ClinVar variation 421748 (VCV000421748.2), dbSNP rs1064795342, ClinGen allele CA16620871.

ClinVar aggregate classification (germline): Likely pathogenic (1 of 4 stars; one submission).

Submission:

GeneDx
Classification: Likely pathogenic. Last evaluated: 2017-11-02. Review status: criteria provided, single submitter. Criteria: GeneDx Variant Classification (06012015). Collection method: clinical testing. Allele origin: germline. Affected: yes.
Comment: The c.1165delC variant in the MED25 gene has not been reported previously as a pathogenic variant nor as a benign variant, to our knowledge. The c.1165delC variant causes a frameshift starting with codon Leucine 389, changes this amino acid to a Serine residue, and creates a premature Stop codon at position 35 of the new reading frame, denoted p.Leu389SerfsX35. This variant is predicted to cause loss of normal protein function either through protein truncation or nonsense-mediated mRNA decay. The c.1165delC variant was not observed in approximately 6500 individuals of European and African American ancestry in the NHLBI Exome Sequencing Project, indicating it is not a common benign variant in these populations. The c.1165delC variant is a strong candidate for a pathogenic variant, however the possibility it may be a rare benign variant cannot be excluded.